The following is an entry in ClinVar:

NM_206933.4(USH2A):c.6925T>G (p.Cys2309Gly)

Gene: USH2A (usherin; minus strand). Cytogenetic location: 1q41.
Variant type: single nucleotide variant.
Coding change: c.6925T>G on transcript NM_206933.4 (MANE Select); coding-DNA position 6925, T replaced by G.
Protein change: p.Cys2309Gly; replaces cysteine 2309 with glycine.
Molecular consequence: missense variant.
Genome position (GRCh38, 1-based): chr1:215,970,657, A>C on the plus strand (T>G on the coding strand, the complement: USH2A is on the minus strand). VCF-style: chr1-215970657-A-C. GRCh37 (hg19) VCF-style: chr1-216143999-A-C.
Other names: short protein forms C2309G.
Identifiers: ClinVar variation 865972 (VCV000865972.4), dbSNP rs772407116, ClinGen allele CA1395001.

ClinVar aggregate classification (germline): Conflicting classifications of pathogenicity. Review status: criteria provided, conflicting classifications (1 of 4 stars). 3 submissions from 3 submitters: Likely pathogenic (1); Uncertain significance (1). 1 of the submissions does not count toward it. Last evaluated 2022-04-28.

Conditions:
USH2A-related disorder. Also called: USH2A-related condition; USH2A-related disorders. Identifiers: MedGen CN239332.
Retinal dystrophy. Also called: Inherited retinal dystrophy. Identifiers: Orphanet 71862, MedGen C0854723, MeSH D058499, MONDO:0019118, HP:0000556.

Allele frequency attached by ClinVar (database versions not stated): gnomAD exomes below 0.00001; TOPMed below 0.00001; ExAC 0.00001; gnomAD 0.00001.
gnomAD v4.1: 3 of 1,613,580 alleles (0.00019%); highest among the groups gnomAD compares: African/African-American, 0.004%; no homozygotes.

Submissions (3):

Women's Health and Genetics/Laboratory Corporation of America, LabCorp
Classification: Uncertain significance. Last evaluated: 2022-04-28. Review status: criteria provided, single submitter. Criteria: LabCorp Variant Classification Summary - May 2015. Collection method: clinical testing. Allele origin: germline.
Comment: Variant summary: USH2A c.6925T>G (p.Cys2309Gly) results in a non-conservative amino acid change located in the Fibronectin type III domain (IPR003961) of the encoded protein sequence. Four of five in-silico tools predict a damaging effect of the variant on protein function. The variant allele was found at a frequency of 4e-06 in 250980 control chromosomes. The available data on variant occurrences in the general population are insufficient to allow any conclusion about variant significance. To our knowledge, no occurrence of c.6925T>G in individuals affected with Usher Syndrome and no experimental evidence demonstrating its impact on protein function have been reported. One clinical diagnostic laboratory has submitted clinical-significance assessments for this variant to ClinVar after 2014 without evidence for independent evaluation and classified the variant as likely pathogenic. Based on the evidence outlined above, the variant was classified as uncertain significance.

Blueprint Genetics
Classification: Likely pathogenic for USH2A-related disorders. Last evaluated: 2020-02-08. Review status: criteria provided, single submitter. Criteria: ACMG Guidelines, 2015. Collection method: clinical testing. Allele origin: germline. Affected: yes. Observed: 1 variant allele.

Institute of Human Genetics, Univ. Regensburg, Univ. Regensburg
Classification: Likely pathogenic for Retinal dystrophy. Last evaluated: 2022-01-01. Review status: no assertion criteria provided. Criteria: ACMG Guidelines, 2015. Collection method: clinical testing. Allele origin: germline. Affected: yes. Not counted in ClinVar's aggregate classification.